The following is an entry in ClinVar:

ClinVar aggregate classification (germline): Conflicting classifications of pathogenicity. Review status: criteria provided, conflicting classifications (1 of 4 stars). 3 submissions from 3 submitters: Uncertain significance (2); Likely benign (1). Last evaluated 2025-10-06.

Conditions:
Arrhythmogenic right ventricular dysplasia 8 (ARVD8). Also called: Arrhythmogenic Right Ventricular Dysplasia/Cardiomyopathy 8; ARRHYTHMOGENIC RIGHT VENTRICULAR CARDIOMYOPATHY 8; ARRHYTHMOGENIC RIGHT VENTRICULAR DYSPLASIA, FAMILIAL, 8. Identifiers: MedGen C1843896, MONDO:0011831, OMIM 607450.
Arrhythmogenic cardiomyopathy with wooly hair and keratoderma. Also called: Carvajal syndrome; Arrhythmogenic cardiomyopathy with woolly hair and keratoderma; Dilated cardiomyopathy with woolly hair and keratoderma; PALMOPLANTAR KERATODERMA WITH LEFT VENTRICULAR CARDIOMYOPATHY AND WOOLLY HAIR. Identifiers: Orphanet 65282, MedGen C1854063, MONDO:0011581, OMIM 605676.

gnomAD v4.1: 1 of 1,614,150 alleles (0.000062%); highest among the groups gnomAD compares: Admixed American, 0.0017%; no homozygotes.

Submissions (3):

Women's Health and Genetics/Laboratory Corporation of America, LabCorp
Classification: Uncertain significance. Last evaluated: 2025-10-06. Review status: criteria provided, single submitter. Criteria: LabCorp Variant Classification Summary - May 2015. Collection method: clinical testing. Allele origin: germline.
Comment: Variant summary: DSP c.5329A>G (p.Arg1777Gly) results in a non-conservative amino acid change in the encoded protein sequence. Algorithms developed to predict the effect of missense changes on protein structure and function are either unavailable or do not agree on the potential impact of this missense change. The variant allele was found at a frequency of 4e-06 in 250662 control chromosomes. The available data on variant occurrences in the general population are insufficient to allow any conclusion about variant significance. To our knowledge, no occurrence of c.5329A>G in individuals affected with DSP-related conditions and no experimental evidence demonstrating its impact on protein function have been reported. ClinVar contains an entry for this variant (Variation ID: 4082785). Based on the evidence outlined above, the variant was classified as uncertain significance.

Labcorp Genetics (formerly Invitae), Labcorp
Classification: Likely benign for Arrhythmogenic cardiomyopathy with wooly hair and keratoderma; Arrhythmogenic right ventricular dysplasia 8. Last evaluated: 2025-03-20. Review status: criteria provided, single submitter. Criteria: Invitae Variant Classification Sherloc (09022015). Collection method: clinical testing. Allele origin: germline.

GeneDx
Classification: Uncertain significance. Last evaluated: 2025-03-11. Review status: criteria provided, single submitter. Criteria: GeneDx Variant Classification Process June 2021. Collection method: clinical testing. Allele origin: germline. Affected: yes.
Comment: Not observed at significant frequency in large population cohorts (gnomAD); In silico analysis supports that this missense variant has a deleterious effect on protein structure/function; Has not been previously published as pathogenic or benign to our knowledge

NM_004415.4(DSP):c.5329A>G (p.Arg1777Gly)

Gene: DSP (desmoplakin; plus strand). Cytogenetic location: 6p24.3.
Variant type: single nucleotide variant.
Coding change: c.5329A>G on transcript NM_004415.4 (MANE Select); coding-DNA position 5329, A replaced by G.
Protein change: p.Arg1777Gly; replaces arginine 1777 with glycine.
Molecular consequence: missense variant. On other transcripts: intron variant (2).
Genome position (GRCh38, 1-based): chr6:7,581,519, A>G. VCF-style: chr6-7581519-A-G. GRCh37 (hg19) VCF-style: chr6-7581752-A-G.
Other names: c.4051-1123A>G (NM_001319034.2); c.3583-1123A>G (NM_001008844.3); short protein forms R1777G.
Identifiers: ClinVar variation 4082785 (VCV004082785.3).